The following is an entry in ClinVar:

ClinVar aggregate classification (germline): Uncertain significance (1 of 4 stars; one submission).

Allele frequency attached by ClinVar (database versions not stated): gnomAD exomes below 0.00001.
gnomAD v4.1: 1 of 1,611,598 alleles (0.000062%); highest among the groups gnomAD compares: Admixed American, 0.0017%; no homozygotes.

Submission:

Ambry Genetics
Classification: Uncertain significance. Last evaluated: 2022-09-19. Review status: criteria provided, single submitter. Criteria: Ambry Variant Classification Scheme 2023. Collection method: clinical testing. Allele origin: germline.
Comment: The p.D660A variant (also known as c.1979A>C), located in coding exon 13 of the POLQ gene, results from an A to C substitution at nucleotide position 1979. The aspartic acid at codon 660 is replaced by alanine, an amino acid with dissimilar properties. This amino acid position is conserved. In addition, the in silico prediction for this alteration is inconclusive. Since supporting evidence is limited at this time, the clinical significance of this alteration remains unclear.

NM_199420.4(POLQ):c.1979A>C (p.Asp660Ala)

Gene: POLQ (DNA polymerase theta; minus strand). Cytogenetic location: 3q13.33.
Variant type: single nucleotide variant.
Coding change: c.1979A>C on transcript NM_199420.4 (MANE Select); coding-DNA position 1979, A replaced by C.
Protein change: p.Asp660Ala; replaces aspartic acid 660 with alanine.
Molecular consequence: missense variant.
Genome position (GRCh38, 1-based): chr3:121,498,651, T>G on the plus strand (A>C on the coding strand, the complement: POLQ is on the minus strand). VCF-style: chr3-121498651-T-G. GRCh37 (hg19) VCF-style: chr3-121217498-T-G.
Other names: short protein forms D660A.
Identifiers: ClinVar variation 1783760 (VCV001783760.2), dbSNP rs1437483218, ClinGen allele CA354111040.
Genomic context (GRCh38, chr3:121,498,651, plus strand): 5'-ATTGAAGTTGGCAACTTCTCCCATAAACAGAAAAATCGATACCAATCAATAGTAGTCCAA[T>G]CCTCAAACATAGGTGTAACCTAAAAGGAAGAAGTATTATTCATTAACTAAAACTATTATA-3'
Protein context (NP_955452.3, residues 650-670): ILYLVTPMFE[Asp660Ala]WTTIDWYRFF